The following is an entry in ClinVar:

ClinVar aggregate classification (germline): Benign/Likely benign. Review status: criteria provided, multiple submitters, no conflicts (2 of 4 stars). 3 submissions from 3 submitters: Benign (1); Likely benign (1). 1 of the submissions does not count toward it. Last evaluated 2026-01-29.

Conditions:
LIG1-related disorder. Also called: LIG1-related condition.

Allele frequency attached by ClinVar (database versions not stated): 1000 Genomes Project 30x 0.00078; 1000 Genomes Project 0.00080; ESP Exome Variant Server 0.00154; gnomAD 0.00160 and 0.00163; TOPMed 0.00169; ExAC 0.00207.
gnomAD v4.1: 3,916 of 1,609,698 alleles (0.24%); highest among the groups gnomAD compares: Non-Finnish European, 0.3%; 5 homozygotes.

Submissions (3):

Labcorp Genetics (formerly Invitae), Labcorp
Classification: Benign. Last evaluated: 2026-01-29. Review status: criteria provided, single submitter. Criteria: Invitae Variant Classification Sherloc (09022015). Collection method: clinical testing. Allele origin: germline.

Blueprint Genetics
Classification: Likely benign. Last evaluated: 2024-11-28. Review status: criteria provided, single submitter. Criteria: ACMG Guidelines, 2015. Collection method: clinical testing. Allele origin: germline.

PreventionGenetics, part of Exact Sciences
Classification: Likely benign for LIG1-related condition. Last evaluated: 2020-02-24. Review status: no assertion criteria provided. Collection method: clinical testing. Allele origin: germline. Not counted in ClinVar's aggregate classification.
Comment: This variant is classified as likely benign based on ACMG/AMP sequence variant interpretation guidelines (Richards et al. 2015 PMID: 25741868, with internal and published modifications).

NM_000234.3(LIG1):c.2584-10G>A

Gene: LIG1 (DNA ligase 1; minus strand). Cytogenetic location: 19q13.33.
Variant type: single nucleotide variant.
Coding change: c.2584-10G>A on transcript NM_000234.3 (MANE Select); 10 bases into the intron before coding-DNA position 2584, G replaced by A.
Molecular consequence: intron variant.
Genome position (GRCh38, 1-based): chr19:48,115,975, C>T on the plus strand (G>A on the coding strand, the complement: LIG1 is on the minus strand). VCF-style: chr19-48115975-C-T. GRCh37 (hg19) VCF-style: chr19-48619232-C-T.
Other names: c.2491-10G>A (NM_001289063.2); c.2494-10G>A (NM_001320971.2); c.2380-10G>A (NM_001289064.2); c.2581-10G>A (NM_001320970.2); c.2584-10G>A (NM_000234.2).
Identifiers: ClinVar variation 1169832 (VCV001169832.12), dbSNP rs182766545, ClinGen allele CA9546336.
Genomic context (GRCh38, chr19:48,115,975, plus strand): 5'-GACTCGAATAAACCGAGGGAAGCGAAGGGAGATGCCCTTGTCACTATCCACCTGCGGAAG[C>T]GGGATGGAGACTCCTGCGGTCCAGCCCCAGCGACCCCCTGCTCAGTCTCCTCCCTCCTCC-3'